The following is an entry in ClinVar:

NM_007294.4(BRCA1):c.5372T>A (p.Val1791Glu)

Gene: BRCA1 (BRCA1 DNA repair associated; minus strand). Cytogenetic location: 17q21.31.
Variant type: single nucleotide variant.
Coding change: c.5372T>A on transcript NM_007294.4 (MANE Select); coding-DNA position 5372, T replaced by A.
Protein change: p.Val1791Glu; replaces valine 1791 with glutamic acid.
Molecular consequence: missense variant. On other transcripts: non-coding transcript variant (1), intron variant (1).
Genome position (GRCh38, 1-based): chr17:43,049,155, A>T on the plus strand (T>A on the coding strand, the complement: BRCA1 is on the minus strand). VCF-style: chr17-43049155-A-T. GRCh37 (hg19) VCF-style: chr17-41201172-A-T.
Other names: c.2060T>A, p.Val687Glu (NM_001407986.1, NM_001407990.1, NM_001407991.1 and 11 more transcripts); c.2057T>A, p.Val686Glu (NM_001408392.1, NM_001408396.1, NM_001408397.1 and 7 more transcripts); c.1988T>A, p.Val663Glu (NM_001408410.1); c.1985T>A, p.Val662Glu (NM_001408411.1); c.1982T>A, p.Val661Glu (NM_001408412.1, NM_001408413.1, NM_001408414.1 and 2 more transcripts); c.1946T>A, p.Val649Glu (NM_001408418.1, NM_001408419.1, NM_001408420.1); c.1940T>A, p.Val647Glu (NM_001408430.1, NM_001408431.1, NM_001408425.1 and 4 more transcripts); c.1937T>A, p.Val646Glu (NM_001408432.1, NM_001408433.1, NM_001408434.1 and 10 more transcripts); and 73 more; short protein forms V1791E, V1744E, V1812E, V687E, V1680E, V1719E, V1723E, V1724E.
Identifiers: ClinVar variation 433732 (VCV000433732.4), dbSNP rs864622244, ClinGen allele CA10590727.

ClinVar aggregate classification (germline): Uncertain significance (0 of 4 stars; one submission).

Conditions:
Malignant tumor of breast. Also called: Malignant breast neoplasm; Cancer breast. Identifiers: MedGen C0006142, MONDO:0007254. Disease mechanism: loss of function.

Submissions (2):

Brotman Baty Institute, University of Washington
No classification provided (evidence only). Condition: Breast-ovarian cancer, familial 1. Review status: no classification provided. Collection method: in vitro. Allele origin: not applicable. Functional consequence: function_uncertain_variant. Not counted in ClinVar's aggregate classification.
ClinVar note: "not provided" was previously submitted as the classification for the variant. However, the classification appeared to be based only on an observation of functional data so it was converted to no classification on 2025-07-30.

Department of Pathology and Laboratory Medicine, Sinai Health System
Classification: Uncertain significance for Malignant tumor of breast. Review status: no assertion criteria provided. Collection method: clinical testing. Allele origin: unknown. Affected: yes. Study: The Canadian Open Genetics Repository (COGR).